The following is an entry in ClinVar:

ClinVar aggregate classification (germline): Uncertain significance (1 of 4 stars; one submission).

Conditions:
Neuropathy, hereditary sensory, type 2C. Also called: Hereditary sensory and autonomic neuropathy type IIC; KIF1A-Related HSAN2 (HSAN2C). Identifiers: Orphanet 970, MedGen C3280168, MONDO:0013634, OMIM 614213.
Intellectual disability, autosomal dominant 9 (NESCAVS). Also called: NESCAV SYNDROME; KIF1A-Related Neurodevelopmental Disorder. Identifiers: Orphanet 662367, MedGen C5393830, MONDO:0013656, OMIM 614255.
Hereditary spastic paraplegia 30. Identifiers: Orphanet 101010, MedGen C5235139, MONDO:0012476.

Allele frequency attached by ClinVar (database versions not stated): gnomAD exomes below 0.00001.

Submission:

Labcorp Genetics (formerly Invitae), Labcorp
Classification: Uncertain significance for Hereditary spastic paraplegia 30; Neuropathy, hereditary sensory, type 2C; Intellectual disability, autosomal dominant 9. Last evaluated: 2025-05-23. Review status: criteria provided, single submitter. Criteria: Invitae Variant Classification Sherloc (09022015). Collection method: clinical testing. Allele origin: germline.
Comment: This sequence change replaces leucine, which is neutral and non-polar, with valine, which is neutral and non-polar, at codon 1488 of the KIF1A protein (p.Leu1488Val). This variant is not present in population databases (gnomAD no frequency). This variant has not been reported in the literature in individuals affected with KIF1A-related conditions. ClinVar contains an entry for this variant (Variation ID: 2152199). Invitae Evidence Modeling of protein sequence and biophysical properties (such as structural, functional, and spatial information, amino acid conservation, physicochemical variation, residue mobility, and thermodynamic stability) indicates that this missense variant is not expected to disrupt KIF1A protein function with a negative predictive value of 95%. In summary, the available evidence is currently insufficient to determine the role of this variant in disease. Therefore, it has been classified as a Variant of Uncertain Significance.

NM_001244008.2(KIF1A):c.4765C>G (p.Leu1589Val)

Gene: KIF1A (kinesin family member 1A; minus strand). Cytogenetic location: 2q37.3.
Variant type: single nucleotide variant.
Coding change: c.4765C>G on transcript NM_001244008.2 (MANE Select); coding-DNA position 4765, C replaced by G.
Protein change: p.Leu1589Val; replaces leucine 1589 with valine.
Molecular consequence: missense variant.
Genome position (GRCh38, 1-based): chr2:240,721,017, G>C on the plus strand (C>G on the coding strand, the complement: KIF1A is on the minus strand). VCF-style: chr2-240721017-G-C. GRCh37 (hg19) VCF-style: chr2-241660434-G-C.
Other names: c.4489C>G, p.Leu1497Val (NM_001320705.2, NM_001379649.1); c.4516C>G, p.Leu1506Val (NM_001330289.2); c.4564C>G, p.Leu1522Val (NM_001330290.2, NM_001379648.1); c.4840C>G, p.Leu1614Val (NM_001379631.1); c.4741C>G, p.Leu1581Val (NM_001379632.1); c.4738C>G, p.Leu1580Val (NM_001379633.1, NM_001379645.1); c.4591C>G, p.Leu1531Val (NM_001379634.1); c.4588C>G, p.Leu1530Val (NM_001379635.1, NM_001379646.1); and 7 more; short protein forms L1496V, L1506V, L1581V, L1487V, L1526V, L1530V, L1580V, L1614V.
Identifiers: ClinVar variation 2152199 (VCV002152199.4), dbSNP rs2536656997, ClinGen allele CA351301968.